The following is an entry in ClinVar:

NM_003114.5(SPAG1):c.1311C>A (p.Gly437=)

Genes: SPAG1 (sperm associated antigen 1; plus strand), VPS13B (vacuolar protein sorting 13 homolog B; plus strand), LOC130000832 (ATAC-STARR-seq lymphoblastoid silent region 19412; plus strand). Cytogenetic location: 8q22.2.
Variant type: single nucleotide variant.
Coding change: c.1311C>A on transcript NM_003114.5 (MANE Select); coding-DNA position 1311, C replaced by A.
Protein change: p.Gly437=; no amino-acid change (glycine 437 retained).
Molecular consequence: synonymous variant.
Genome position (GRCh38, 1-based): chr8:100,213,304, C>A. VCF-style: chr8-100213304-C-A. GRCh37 (hg19) VCF-style: chr8-101225532-C-A.
Other names: c.1311C>A, p.Gly437= (NM_172218.3, NM_001374321.1).
Identifiers: ClinVar variation 2739015 (VCV002739015.4), dbSNP rs1474984376, ClinGen allele CA462346182.

ClinVar aggregate classification (germline): Likely benign. Review status: criteria provided, multiple submitters, no conflicts (2 of 4 stars). 2 submissions from 2 submitters: Likely benign (2). Last evaluated 2026-02-01.

Conditions:
Primary ciliary dyskinesia 28. Also called: CILIARY DYSKINESIA, PRIMARY, 28, WITH OR WITHOUT SITUS INVERSUS. Identifiers: Orphanet 244, MedGen C3809706, MONDO:0014216, OMIM 615505.
VPS13B-related disorder. Also called: VPS13B-related condition.

Allele frequency attached by ClinVar (database versions not stated): gnomAD exomes below 0.00001; gnomAD 0.00001; TOPMed 0.00002.
gnomAD v4.1: 6 of 1,235,926 alleles (0.00049%); highest among the groups gnomAD compares: Non-Finnish European, 0.00061%; no homozygotes.

Submissions (2):

Labcorp Genetics (formerly Invitae), Labcorp
Classification: Likely benign for Primary ciliary dyskinesia 28. Last evaluated: 2026-02-01. Review status: criteria provided, single submitter. Criteria: Invitae Variant Classification Sherloc (09022015). Collection method: clinical testing. Allele origin: germline.

PreventionGenetics, part of Exact Sciences
Classification: Likely benign for VPS13B-related condition. Last evaluated: 2025-04-28. Review status: criteria provided, single submitter. Criteria: ACMG Guidelines, 2015. Collection method: clinical testing. Allele origin: germline.
Comment: This variant is classified as likely benign based on ACMG/AMP sequence variant interpretation guidelines (Richards et al. 2015 PMID: 25741868, with internal and published modifications).